The following is an entry in ClinVar:

NM_000163.5(GHR):c.273T>A (p.Thr91=)

Gene: GHR (growth hormone receptor; plus strand). Cytogenetic location: 5p12.
Variant type: single nucleotide variant.
Coding change: c.273T>A on transcript NM_000163.5 (MANE Select); coding-DNA position 273, T replaced by A.
Protein change: p.Thr91=; no amino-acid change (threonine 91 retained).
Molecular consequence: synonymous variant.
Genome position (GRCh38, 1-based): chr5:42,694,923, T>A. VCF-style: chr5-42694923-T-A. GRCh37 (hg19) VCF-style: chr5-42695025-T-A.
Other names: c.294T>A, p.Thr98= (NM_001242399.2); c.273T>A, p.Thr91= (NM_001242400.2, NM_001242401.4, NM_001242402.2 and 5 more transcripts); c.207T>A, p.Thr69= (NM_001242460.2).
Identifiers: ClinVar variation 353680 (VCV000353680.25), dbSNP rs138491809, ClinGen allele CA3254374.

ClinVar aggregate classification (germline): Conflicting classifications of pathogenicity. Review status: criteria provided, conflicting classifications (1 of 4 stars). 6 submissions from 6 submitters: Uncertain significance (1); Likely benign (3). 2 of the submissions do not count toward it. Last evaluated 2026-01-25.

Conditions:
Laron-type isolated somatotropin defect. Also called: Growth hormone receptor deficiency or dysfunction; Laron dwarfism; Laron type pituitary dwarfism I; GROWTH HORMONE RECEPTOR DEFICIENCY; Laron Syndrome; Growth hormone binding protein deficiency or dysfunction. Identifiers: Orphanet 633, MedGen C0271568, MONDO:0009877, OMIM 262500.

Allele frequency attached by ClinVar (database versions not stated): ESP Exome Variant Server 0.00077; ExAC 0.00088; gnomAD exomes 0.00089; TOPMed 0.00099.
gnomAD v4.1: 1,438 of 1,608,322 alleles (0.089%); highest among the groups gnomAD compares: Admixed American, 0.12%; 1 homozygote.

Submissions (6):

Labcorp Genetics (formerly Invitae), Labcorp
Classification: Likely benign. Last evaluated: 2026-01-25. Review status: criteria provided, single submitter. Criteria: Invitae Variant Classification Sherloc (09022015). Collection method: clinical testing. Allele origin: germline.

CeGaT Center for Human Genetics Tuebingen
Classification: Likely benign. Last evaluated: 2025-07-01. Review status: criteria provided, single submitter. Criteria: CeGaT Center For Human Genetics Tuebingen Variant Classification Criteria Version 2. Collection method: clinical testing. Allele origin: germline. Affected: yes. Observed: 1 variant allele.
Comment: GHR: BP4, BP7

Blueprint Genetics
Classification: Likely benign. Last evaluated: 2024-11-25. Review status: criteria provided, single submitter. Criteria: ACMG Guidelines, 2015. Collection method: clinical testing. Allele origin: germline.

Illumina Laboratory Services, Illumina
Classification: Uncertain significance for Laron-type isolated somatotropin defect. Last evaluated: 2018-01-13. Review status: criteria provided, single submitter. Criteria: ICSL Variant Classification Criteria 13 December 2019. Collection method: clinical testing. Allele origin: germline.

Clinical Genetics DNA and cytogenetics Diagnostics Lab, Erasmus MC, Erasmus Medical Center
Classification: Likely benign. Review status: no assertion criteria provided. Collection method: clinical testing. Allele origin: germline. Affected: yes. Study: VKGL Data-share Consensus. Not counted in ClinVar's aggregate classification.

Laboratory of Diagnostic Genome Analysis, Leiden University Medical Center (LUMC)
Classification: Likely benign. Review status: no assertion criteria provided. Collection method: clinical testing. Allele origin: germline. Affected: yes. Study: VKGL Data-share Consensus. Not counted in ClinVar's aggregate classification.